The following is an entry in ClinVar:

ClinVar aggregate classification (germline): Uncertain significance. Review status: criteria provided, multiple submitters, no conflicts (2 of 4 stars). 3 submissions from 3 submitters: Uncertain significance (3). Last evaluated 2024-07-20.

Conditions:
Wilson disease (WND). Also called: Wilson's disease. Identifiers: Orphanet 905, MedGen C0019202, MONDO:0010200, OMIM 277900. Disease mechanism: loss of function.

Allele frequency attached by ClinVar (database versions not stated): ExAC 0.00001; gnomAD 0.00003; TOPMed 0.00003.

Submissions (3):

All of Us Research Program, National Institutes of Health
Classification: Uncertain significance for Wilson disease. Last evaluated: 2024-07-20. Review status: criteria provided, single submitter. Criteria: ACMG Guidelines, 2015. Collection method: clinical testing. Allele origin: germline. Inheritance: Autosomal recessive inheritance. Observed: 6 variant alleles, 6 heterozygotes.
Comment: This missense variant replaces arginine with tryptophan at codon 1224 of the ATP7B protein. Computational prediction suggests that this variant may have deleterious impact on protein structure and function (internally defined REVEL score threshold >= 0.7, PMID: 27666373). To our knowledge, functional studies have not been reported for this variant. This variant has not been reported in individuals affected with ATP7B-related disorders in the literature. This variant has been identified in 6/249588 chromosomes in the general population by the Genome Aggregation Database (gnomAD). The available evidence is insufficient to determine the role of this variant in disease conclusively. Therefore, this variant is classified as a Variant of Uncertain Significance.

This study involves interpretation of variants in research participants for the purpose of population health screening. Participant phenotype was not available at the time of variant classification. Additional details can be found in publication PMID: 35346344, PMCID: PMC8962531

Fulgent Genetics
Classification: Uncertain significance for Wilson disease. Last evaluated: 2024-04-30. Review status: criteria provided, single submitter. Criteria: ACMG Guidelines, 2015. Collection method: clinical testing. Allele origin: germline.

Color Diagnostics, LLC DBA Color Health
Classification: Uncertain significance for Wilson disease. Last evaluated: 2024-03-06. Review status: criteria provided, single submitter. Criteria: ACMG Guidelines, 2015. Collection method: clinical testing. Allele origin: germline.
Comment: This missense variant replaces arginine with tryptophan at codon 1224 of the ATP7B protein. Computational prediction suggests that this variant may have deleterious impact on protein structure and function (internally defined REVEL score threshold >= 0.7, PMID: 27666373). To our knowledge, functional studies have not been reported for this variant. This variant has not been reported in individuals affected with ATP7B-related disorders in the literature. This variant has been identified in 6/249588 chromosomes in the general population by the Genome Aggregation Database (gnomAD). The available evidence is insufficient to determine the role of this variant in disease conclusively. Therefore, this variant is classified as a Variant of Uncertain Significance.

NM_000053.4(ATP7B):c.3670C>T (p.Arg1224Trp)

Gene: ATP7B (ATPase copper transporting beta; minus strand). Cytogenetic location: 13q14.3.
Variant type: single nucleotide variant.
Coding change: c.3670C>T on transcript NM_000053.4 (MANE Select); coding-DNA position 3670, C replaced by T.
Protein change: p.Arg1224Trp; replaces arginine 1224 with tryptophan.
Molecular consequence: missense variant.
Genome position (GRCh38, 1-based): chr13:51,939,080, G>A on the plus strand (C>T on the coding strand, the complement: ATP7B is on the minus strand). VCF-style: chr13-51939080-G-A. GRCh37 (hg19) VCF-style: chr13-52513216-G-A.
Other names: c.3049C>T, p.Arg1017Trp (NM_001005918.3); c.3337C>T, p.Arg1113Trp (NM_001243182.2); c.3436C>T, p.Arg1146Trp (NM_001330578.2, NM_001406527.1, NM_001406528.1); c.3418C>T, p.Arg1140Trp (NM_001330579.2, NM_001406531.1, NM_001406532.1); c.3670C>T, p.Arg1224Trp (NM_001406511.1, NM_001406512.1, NM_001406526.1); c.3664C>T, p.Arg1222Trp (NM_001406513.1); c.3637C>T, p.Arg1213Trp (NM_001406514.1); c.3616C>T, p.Arg1206Trp (NM_001406515.1, NM_001406516.1); and 20 more; short protein forms R1008W, R1017W, R1030W, R1060W, R1062W, R1075W, R1081W, R1098W.
Identifiers: ClinVar variation 3075586 (VCV003075586.4), dbSNP rs746893370, ClinGen allele CA6988614.